The following is an entry in ClinVar:

NC_000004.11:g.(?_13371500)_(13383238_?)dup

Gene: RAB28 (RAB28, member RAS oncogene family; minus strand). Cytogenetic location: 4p15.33.
Variant type: Duplication.
Identifiers: ClinVar variation 1444979 (VCV001444979.4).

ClinVar aggregate classification (germline): Uncertain significance (1 of 4 stars; one submission).

Submission:

Labcorp Genetics (formerly Invitae), Labcorp
Classification: Uncertain significance. Last evaluated: 2022-08-22. Review status: criteria provided, single submitter. Criteria: Invitae Variant Classification Sherloc (09022015). Collection method: clinical testing. Allele origin: germline.
Comment: This variant results in a copy number gain of the genomic region encompassing exon(s) 5-7 of the RAB28 gene. This region includes the termination codon of the gene. This copy number gain extends beyond the assayed region for this gene and therefore may encompass additional genes. As the precise location of this event is unknown, it may be in tandem or it may be located elsewhere in the genome. This variant has not been reported in the literature in individuals affected with RAB28-related conditions. In summary, the available evidence is currently insufficient to determine the role of this variant in disease. Therefore, it has been classified as a Variant of Uncertain Significance.